The following is an entry in ClinVar:

NM_004982.4(KCNJ8):c.677G>A (p.Arg226His)

Genes: KCNJ8 (potassium inwardly rectifying channel subfamily J member 8; minus strand), KCNJ8-AS1 (KCNJ8 antisense RNA 1; plus strand). Cytogenetic location: 12p12.1.
Variant type: single nucleotide variant.
Coding change: c.677G>A on transcript NM_004982.4 (MANE Select); coding-DNA position 677, G replaced by A.
Protein change: p.Arg226His; replaces arginine 226 with histidine.
Molecular consequence: missense variant.
Genome position (GRCh38, 1-based): chr12:21,766,321, C>T on the plus strand (G>A on the coding strand, the complement: KCNJ8 is on the minus strand). VCF-style: chr12-21766321-C-T. GRCh37 (hg19) VCF-style: chr12-21919255-C-T.
Identifiers: ClinVar variation 1755391 (VCV001755391.3), dbSNP rs762588905, ClinGen allele CA6480661.
Genomic context (GRCh38, chr12:21,766,321, plus strand): 5'-AGTTGGTGAATAGGAACCACCTCCCCTTCAGGTGTAGTTGTTTTCTTGACCACCTGGATG[C>T]GCACAGAGGCACTAATGATCATGCTTTTCCTCAGGTCACCCACTCGGAACATGAAGCACA-3'
Protein context (NP_004973.1, residues 216-236): RKSMIISASV[Arg226His]IQVVKKTTTP

ClinVar aggregate classification (germline): Uncertain significance (1 of 4 stars; one submission).

Conditions:
Cardiovascular phenotype. Identifiers: MedGen CN230736.

Allele frequency attached by ClinVar (database versions not stated): gnomAD exomes below 0.00001; gnomAD 0.00001; TOPMed below 0.00001; ExAC 0.00001.

Submission:

Ambry Genetics
Classification: Uncertain significance for Cardiovascular phenotype. Last evaluated: 2025-10-01. Review status: criteria provided, single submitter. Criteria: Ambry Variant Classification Scheme 2023. Collection method: clinical testing. Allele origin: germline.
Comment: The c.677G>A (p.R226H) alteration is located in exon 3 (coding exon 2) of the KCNJ8 gene. This alteration results from a G to A substitution at nucleotide position 677, causing the arginine (R) at amino acid position 226 to be replaced by a histidine (H). Based on data from gnomAD, the A allele has an overall frequency of <0.001% (1/251484) total alleles studied. The highest observed frequency was 0.003% (1/30616) of South Asian alleles. Based on insufficient or conflicting evidence, the clinical significance of this alteration remains unclear.